The following is an entry in ClinVar:

NM_033380.3(COL4A5):c.3026G>A (p.Gly1009Asp)

Gene: COL4A5 (collagen type IV alpha 5 chain; plus strand). Cytogenetic location: Xq22.3.
Variant type: single nucleotide variant.
Coding change: c.3026G>A on transcript NM_033380.3 (MANE Select); coding-DNA position 3026, G replaced by A.
Protein change: p.Gly1009Asp; replaces glycine 1009 with aspartic acid.
Molecular consequence: missense variant.
Genome position (GRCh38, 1-based): chrX:108,625,714, G>A. VCF-style: chrX-108625714-G-A. GRCh37 (hg19) VCF-style: chrX-107868944-G-A.
Other names: c.3026G>A, p.Gly1009Asp (NM_000495.5); short protein forms G1009D.
Identifiers: ClinVar variation 3347859 (VCV003347859.1).

ClinVar aggregate classification (germline): Likely pathogenic (0 of 4 stars; one submission).

Conditions:
COL4A5-related disorder. Also called: COL4A5-related condition.

Submission:

PreventionGenetics, part of Exact Sciences
Classification: Likely pathogenic for COL4A5-related condition. Last evaluated: 2024-09-23. Review status: no assertion criteria provided. Collection method: clinical testing. Allele origin: germline.
Comment: The COL4A5 c.3026G>A variant is predicted to result in the amino acid substitution p.Gly1009Asp. The p.Gly1009 residue is located in the triple-helical region (residues 42 – 1456) of the COL4A5 protein. The majority of pathogenic variants in COL4A5 substitute a glycine residue to a bulkier amino acid in the triple-helical domain (Hudson et al. 1993. PubMed ID: 8253711). To our knowledge, this variant has not been reported in the literature or in a large population database, indicating this variant is rare. This variant is interpreted as likely pathogenic.